The following is an entry in ClinVar:

NM_031372.4(HNRNPDL):c.283A>G (p.Ile95Val)

Gene: HNRNPDL (heterogeneous nuclear ribonucleoprotein D like; minus strand). Cytogenetic location: 4q21.22.
Variant type: single nucleotide variant.
Coding change: c.283A>G on transcript NM_031372.4 (MANE Select); coding-DNA position 283, A replaced by G.
Protein change: p.Ile95Val; replaces isoleucine 95 with valine.
Molecular consequence: missense variant. On other transcripts: non-coding transcript variant (1).
Genome position (GRCh38, 1-based): chr4:82,429,408, T>C on the plus strand (A>G on the coding strand, the complement: HNRNPDL is on the minus strand). VCF-style: chr4-82429408-T-C. GRCh37 (hg19) VCF-style: chr4-83350561-T-C.
Other names: c.283A>G, p.Ile95Val (NM_001207000.1); short protein forms I95V.
Identifiers: ClinVar variation 1469484 (VCV001469484.6), dbSNP rs768730541, ClinGen allele CA2985079.
Genomic context (GRCh38, chr4:82,429,408, plus strand): 5'-CGGCAGGGGGGTGCTGGCGCGCAGTCCGGGTCGCGGCAGCAGCGGCGGCGGAGCGTTGTA[T>C]GGAGCTGGATTTAAAATGGCGGCGGAAGAGATCCGGGCGCCGCCTGCGCCCTCCCTTTAT-3'
Protein context (NP_112740.1, residues 85-105): LFRRHFKSSS[Ile95Val]QRSAAAAAAT

ClinVar aggregate classification (germline): Uncertain significance (1 of 4 stars; one submission).

Conditions:
Autosomal dominant limb-girdle muscular dystrophy type 1G (LGMDD3). Also called: Limb-girdle muscular dystrophy, type 1G; MUSCULAR DYSTROPHY, LIMB-GIRDLE, AUTOSOMAL DOMINANT 3. Identifiers: Orphanet 55596, MedGen C1836765, MONDO:0012193, OMIM 609115.

Allele frequency attached by ClinVar (database versions not stated): gnomAD exomes 0.00001; ExAC 0.00002.
gnomAD v4.1: 26 of 1,612,956 alleles (0.0016%); highest among the groups gnomAD compares: Admixed American, 0.005%; no homozygotes.

Submission:

Labcorp Genetics (formerly Invitae), Labcorp
Classification: Uncertain significance for Autosomal dominant limb-girdle muscular dystrophy type 1G. Last evaluated: 2024-02-24. Review status: criteria provided, single submitter. Criteria: Invitae Variant Classification Sherloc (09022015). Collection method: clinical testing. Allele origin: germline.
Comment: This sequence change replaces isoleucine, which is neutral and non-polar, with valine, which is neutral and non-polar, at codon 95 of the HNRNPDL protein (p.Ile95Val). This variant is present in population databases (rs768730541, gnomAD 0.003%). This variant has not been reported in the literature in individuals affected with HNRNPDL-related conditions. ClinVar contains an entry for this variant (Variation ID: 1469484). An algorithm developed to predict the effect of missense changes on protein structure and function (PolyPhen-2) suggests that this variant is likely to be tolerated. In summary, the available evidence is currently insufficient to determine the role of this variant in disease. Therefore, it has been classified as a Variant of Uncertain Significance.